The following is an entry in ClinVar:

NM_000264.5(PTCH1):c.2345C>G (p.Pro782Arg)

Genes: PTCH1 (patched 1; minus strand), LOC100507346 (uncharacterized LOC100507346; plus strand). Cytogenetic location: 9q22.32.
Variant type: single nucleotide variant.
Coding change: c.2345C>G on transcript NM_000264.5 (MANE Select); coding-DNA position 2345, C replaced by G.
Protein change: p.Pro782Arg; replaces proline 782 with arginine.
Molecular consequence: missense variant.
Genome position (GRCh38, 1-based): chr9:95,467,331, G>C on the plus strand (C>G on the coding strand, the complement: PTCH1 is on the minus strand). VCF-style: chr9-95467331-G-C. GRCh37 (hg19) VCF-style: chr9-98229613-G-C.
Other names: c.1892C>G, p.Pro631Arg (NM_001083606.3, NM_001083607.3, NM_001083604.3 and 1 more transcripts); c.2189C>G, p.Pro730Arg (NM_001354918.2); c.2147C>G, p.Pro716Arg (NM_001083602.3); c.2342C>G, p.Pro781Arg (NM_001083603.3); short protein forms P782R, P730R, P781R, P631R, P716R.
Identifiers: ClinVar variation 4676246 (VCV004676246.2).

ClinVar aggregate classification (germline): Uncertain significance (1 of 4 stars; one submission).

Conditions:
Hereditary cancer-predisposing syndrome. Also called: Hereditary Cancer Syndrome; Hereditary neoplastic syndrome; Neoplastic Syndromes, Hereditary; Tumor predisposition. Identifiers: Orphanet 140162, MedGen C0027672, MeSH D009386, MONDO:0015356.

Submission:

Ambry Genetics
Classification: Uncertain significance for Hereditary cancer-predisposing syndrome. Last evaluated: 2026-07-29. Review status: criteria provided, single submitter. Criteria: Ambry Variant Classification Scheme 2023. Collection method: clinical testing. Allele origin: germline.
Comment: The p.P782R variant (also known as c.2345C>G), located in coding exon 15 of the PTCH1 gene, results from a C to G substitution at nucleotide position 2345. The proline at codon 782 is replaced by arginine, an amino acid with dissimilar properties. This amino acid position is conserved. In addition, this alteration is predicted to be deleterious by in silico analysis. Based on the available evidence, the clinical significance of this variant remains unclear.